The following is an entry in ClinVar:

ClinVar aggregate classification (germline): Uncertain significance (1 of 4 stars; one submission).

Conditions:
PLXNA1-related disorder. Also called: PLXNA1-related condition.

Submission:

PreventionGenetics, part of Exact Sciences
Classification: Uncertain significance for PLXNA1-related condition. Last evaluated: 2026-09-03. Review status: criteria provided, single submitter. Criteria: ACMG Guidelines, 2015. Collection method: clinical testing. Allele origin: germline.
Comment: The PLXNA1 c.3539C>T variant is predicted to result in the amino acid substitution p.Ala1180Val. To our knowledge, this variant has not been reported in the literature. This variant is reported in 0.0036% of alleles in individuals of European (Non-Finnish) descent in gnomAD. At this time, the clinical significance of this variant is uncertain due to the absence of conclusive functional and genetic evidence.

NM_032242.4(PLXNA1):c.3539C>T (p.Ala1180Val)

Gene: PLXNA1 (plexin A1; plus strand). Cytogenetic location: 3q21.3.
Variant type: single nucleotide variant.
Coding change: c.3539C>T on transcript NM_032242.4 (MANE Select); coding-DNA position 3539, C replaced by T.
Protein change: p.Ala1180Val; replaces alanine 1180 with valine.
Molecular consequence: missense variant.
Genome position (GRCh38, 1-based): chr3:127,017,771, C>T. VCF-style: chr3-127017771-C-T. GRCh37 (hg19) VCF-style: chr3-126736614-C-T.
Other names: short protein forms A1180V.
Identifiers: ClinVar variation 3358387 (VCV003358387.2).